The following is an entry in ClinVar:

ClinVar aggregate classification (germline): Pathogenic (1 of 4 stars; one submission).

Submission:

Labcorp Genetics (formerly Invitae), Labcorp
Classification: Pathogenic. Last evaluated: 2024-01-02. Review status: criteria provided, single submitter. Criteria: Invitae Variant Classification Sherloc (09022015). Collection method: clinical testing. Allele origin: germline.
Comment: This variant is a gross deletion of the genomic region encompassing exon(s) 7-8 of the SLC38A8 gene. This variant would be expected to be in-frame, preserving the integrity of the reading frame. A similar copy number variant has been observed in individual(s) with SLC38A8-related conditions (PMID: 29345414). This variant disrupts a region of the SLC38A8 protein in which other variant(s) (p.Asp283Ala) have been determined to be pathogenic (PMID: 28546991, 29345414, 33498813; Invitae). This suggests that this is a clinically significant region of the protein, and that variants that disrupt it are likely to be disease-causing. For these reasons, this variant has been classified as Pathogenic.

Literature cited by the submitters: PubMed 29345414; PubMed 28546991; PubMed 33498813.

NC_000016.9:g.(?_84050104)_(84050912_?)del

Gene: SLC38A8 (solute carrier family 38 member 8; minus strand). Cytogenetic location: 16q23.3.
Variant type: Deletion.
Identifiers: ClinVar variation 2423639 (VCV002423639.4).